The following is an entry in ClinVar:

NM_018486.3(HDAC8):c.1114A>G (p.Asn372Asp)

Gene: HDAC8 (histone deacetylase 8; minus strand). Cytogenetic location: Xq13.1.
Variant type: single nucleotide variant.
Coding change: c.1114A>G on transcript NM_018486.3 (MANE Select); coding-DNA position 1114, A replaced by G.
Protein change: p.Asn372Asp; replaces asparagine 372 with aspartic acid.
Molecular consequence: missense variant. On other transcripts: non-coding transcript variant (1).
Genome position (GRCh38, 1-based): chrX:72,330,074, T>C on the plus strand (A>G on the coding strand, the complement: HDAC8 is on the minus strand). VCF-style: chrX-72330074-T-C. GRCh37 (hg19) VCF-style: chrX-71549924-T-C.
Other names: c.841A>G, p.Asn281Asp (NM_001166418.2); c.1192A>G, p.Asn398Asp (NM_001410725.1); c.1036A>G, p.Asn346Asp (NM_001410727.1); c.919A>G, p.Asn307Asp (NM_001410728.1); short protein forms N281D, N307D, N346D, N372D, N398D.
Identifiers: ClinVar variation 3360911 (VCV003360911.2).
Genomic context (GRCh38, chrX:72,330,074, plus strand): 5'-ACCACTCCTCAGCTCTGGAAACCTGATCTCTTTCTGTCAACTAGACCACATGCTTCAGAT[T>C]CCCTGCAAACAGGGGAGAAAACAAAATTCAAAGTCAGGTAATGTATGTGAATTATACCCC-3'
Protein context (NP_060956.1, residues 362-377): IQQILNYIKG[Asn372Asp]LKHVV

ClinVar aggregate classification (germline): Uncertain significance (1 of 4 stars; one submission).

Submission:

GeneDx
Classification: Uncertain significance. Last evaluated: 2026-06-06. Review status: criteria provided, single submitter. Criteria: GeneDx Variant Classification Process June 2021. Collection method: clinical testing. Allele origin: germline.
Comment: Not observed at significant frequency in large population cohorts (gnomAD); In silico analysis supports that this missense variant has a deleterious effect on protein structure/function; Has not been previously published as pathogenic or benign to our knowledge